The following is an entry in ClinVar:

NM_020937.4(FANCM):c.1511G>C (p.Arg504Thr)

Gene: FANCM (FA complementation group M; plus strand). Cytogenetic location: 14q21.2.
Variant type: single nucleotide variant.
Coding change: c.1511G>C on transcript NM_020937.4 (MANE Select); coding-DNA position 1511, G replaced by C.
Protein change: p.Arg504Thr; replaces arginine 504 with threonine.
Molecular consequence: missense variant.
Genome position (GRCh38, 1-based): chr14:45,159,210, G>C. VCF-style: chr14-45159210-G-C. GRCh37 (hg19) VCF-style: chr14-45628413-G-C.
Other names: c.1433G>C, p.Arg478Thr (NM_001308133.2); c.1511G>C, p.Arg504Thr (NM_001308134.2); short protein forms R478T, R504T.
Identifiers: ClinVar variation 953710 (VCV000953710.10), dbSNP rs1023546372, ClinGen allele CA259618752.

ClinVar aggregate classification (germline): Uncertain significance. Review status: criteria provided, multiple submitters, no conflicts (2 of 4 stars). 2 submissions from 2 submitters: Uncertain significance (2). Last evaluated 2025-03-30.

Conditions:
Inborn genetic diseases. Identifiers: MedGen C0950123, MeSH D030342.
Fanconi anemia (FA). Also called: Fanconi's anemia. Identifiers: Orphanet 84, MedGen C0015625, MeSH D005199, MONDO:0019391.

Allele frequency attached by ClinVar (database versions not stated): TOPMed below 0.00001.

Submissions (2):

Ambry Genetics
Classification: Uncertain significance for Inborn genetic diseases. Last evaluated: 2025-03-30. Review status: criteria provided, single submitter. Criteria: Ambry Variant Classification Scheme 2023. Collection method: clinical testing. Allele origin: germline.
Comment: The p.R504T variant (also known as c.1511G>C), located in coding exon 9 of the FANCM gene, results from a G to C substitution at nucleotide position 1511. The arginine at codon 504 is replaced by threonine, an amino acid with similar properties. This amino acid position is conserved. In addition, this alteration is predicted to be tolerated by in silico analysis. Based on the available evidence, the clinical significance of this variant remains unclear.

Labcorp Genetics (formerly Invitae), Labcorp
Classification: Uncertain significance for Fanconi anemia. Last evaluated: 2023-10-26. Review status: criteria provided, single submitter. Criteria: Invitae Variant Classification Sherloc (09022015). Collection method: clinical testing. Allele origin: germline.
Comment: This sequence change replaces arginine, which is basic and polar, with threonine, which is neutral and polar, at codon 504 of the FANCM protein (p.Arg504Thr). This variant is not present in population databases (gnomAD no frequency). This variant has not been reported in the literature in individuals affected with FANCM-related conditions. ClinVar contains an entry for this variant (Variation ID: 953710). An algorithm developed to predict the effect of missense changes on protein structure and function (PolyPhen-2) suggests that this variant is likely to be tolerated. In summary, the available evidence is currently insufficient to determine the role of this variant in disease. Therefore, it has been classified as a Variant of Uncertain Significance.